The following is an entry in ClinVar:

ClinVar aggregate classification (germline): Benign. Review status: criteria provided, multiple submitters, no conflicts (2 of 4 stars). 3 submissions from 3 submitters: Benign (2). 1 of the submissions does not count toward it. Last evaluated 2026-02-04.

Conditions:
ITGAM-related disorder. Also called: ITGAM-related condition.

Allele frequency attached by ClinVar (database versions not stated): ExAC 0.16269; gnomAD 0.16278 and 0.16340; TOPMed 0.16279; 1000 Genomes Project 0.16254; 1000 Genomes Project 30x 0.16318; ESP Exome Variant Server 0.16481; gnomAD exomes 0.15244 and 0.15719.
gnomAD v4.1: 248,525 of 1,613,704 alleles (15%); highest among the groups gnomAD compares: Middle Eastern, 25%; 20,815 homozygotes.

Submissions (3):

Labcorp Genetics (formerly Invitae), Labcorp
Classification: Benign. Last evaluated: 2026-02-04. Review status: criteria provided, single submitter. Criteria: Invitae Variant Classification Sherloc (09022015). Collection method: clinical testing. Allele origin: germline.

Breakthrough Genomics
Classification: Benign. Review status: criteria provided, single submitter. Criteria: ACMG Guidelines, 2015. Collection method: not provided. Allele origin: germline. Inheritance: Unknown mechanism. Affected: yes.

PreventionGenetics, part of Exact Sciences
Classification: Benign for ITGAM-related condition. Last evaluated: 2019-11-12. Review status: no assertion criteria provided. Collection method: clinical testing. Allele origin: germline. Not counted in ClinVar's aggregate classification.
Comment: This variant is classified as benign based on ACMG/AMP sequence variant interpretation guidelines (Richards et al. 2015 PMID: 25741868, with internal and published modifications).

NM_000632.4(ITGAM):c.2573C>T (p.Ala858Val)

Gene: ITGAM (integrin subunit alpha M; plus strand). Cytogenetic location: 16p11.2.
Variant type: single nucleotide variant.
Coding change: c.2573C>T on transcript NM_000632.4 (MANE Select); coding-DNA position 2573, C replaced by T.
Protein change: p.Ala858Val; replaces alanine 858 with valine.
Molecular consequence: missense variant.
Genome position (GRCh38, 1-based): chr16:31,325,567, C>T. VCF-style: chr16-31325567-C-T. GRCh37 (hg19) VCF-style: chr16-31336888-C-T.
Other names: c.2576C>T, p.Ala859Val (NM_001145808.2); c.2573C>T (NM_000632.3); short protein forms A858V, A859V.
Identifiers: ClinVar variation 1164968 (VCV001164968.12), dbSNP rs1143683, ClinGen allele CA8025869.